The following is an entry in ClinVar:

ClinVar aggregate classification (germline): Likely pathogenic (1 of 4 stars; one submission).

Allele frequency attached by ClinVar (database versions not stated): gnomAD exomes below 0.00001; TOPMed below 0.00001; ExAC 0.00001; gnomAD 0.00001 and 0.00002; 1000 Genomes Project 30x 0.00016; 1000 Genomes Project 0.00020.
gnomAD v4.1: 5 of 1,613,668 alleles (0.00031%); highest among the groups gnomAD compares: Admixed American, 0.0084%; no homozygotes.

Submission:

GeneDx
Classification: Likely pathogenic. Last evaluated: 2020-04-01. Review status: criteria provided, single submitter. Criteria: GeneDx Variant Classification Process June 2021. Collection method: clinical testing. Allele origin: germline. Affected: yes.
Comment: Not observed at a significant frequency in large population cohorts (Lek et al., 2016); In silico analysis, which includes protein predictors and evolutionary conservation, supports a deleterious effect; Has not been previously published as pathogenic or benign to our knowledge

NM_024678.6(NARS2):c.788T>C (p.Ile263Thr)

Gene: NARS2 (asparaginyl-tRNA synthetase 2, mitochondrial; minus strand). Cytogenetic location: 11q14.1.
Variant type: single nucleotide variant.
Coding change: c.788T>C on transcript NM_024678.6 (MANE Select); coding-DNA position 788, T replaced by C.
Protein change: p.Ile263Thr; replaces isoleucine 263 with threonine.
Molecular consequence: missense variant.
Genome position (GRCh38, 1-based): chr11:78,493,097, A>G on the plus strand (T>C on the coding strand, the complement: NARS2 is on the minus strand). VCF-style: chr11-78493097-A-G. GRCh37 (hg19) VCF-style: chr11-78204143-A-G.
Other names: c.107T>C, p.Ile36Thr (NM_001243251.2); short protein forms I263T, I36T.
Identifiers: ClinVar variation 1190071 (VCV001190071.2), dbSNP rs541632286, ClinGen allele CA6205716.